The following is an entry in ClinVar:

NM_001358235.2(DCHS2):c.560G>T (p.Arg187Leu)

Gene: DCHS2 (dachsous cadherin-related 2; minus strand). Cytogenetic location: 4q31.3.
Variant type: single nucleotide variant.
Coding change: c.560G>T on transcript NM_001358235.2 (MANE Select); coding-DNA position 560, G replaced by T.
Protein change: p.Arg187Leu; replaces arginine 187 with leucine.
Molecular consequence: missense variant.
Genome position (GRCh38, 1-based): chr4:154,490,796, C>A on the plus strand (G>T on the coding strand, the complement: DCHS2 is on the minus strand). VCF-style: chr4-154490796-C-A. GRCh37 (hg19) VCF-style: chr4-155411948-C-A.
Other names: c.560G>T, p.Arg187Leu (NM_001142552.2, NM_001412223.1); c.560G>T (NM_001358235.1); short protein forms R187L.
Identifiers: ClinVar variation 2655145 (VCV002655145.25), dbSNP rs184619033, ClinGen allele CA3113891.

ClinVar aggregate classification (germline): Likely benign. Review status: criteria provided, single submitter (1 of 4 stars). 2 submissions from 2 submitters: Likely benign (1). 1 of the submissions does not count toward it. Last evaluated 2023-02-01.

Conditions:
DCHS2-related disorder. Also called: DCHS2-related condition.

Allele frequency attached by ClinVar (database versions not stated): 1000 Genomes Project 0.00180; 1000 Genomes Project 30x 0.00203; ESP Exome Variant Server 0.00460; ExAC 0.00480.
gnomAD v4.1: 8,756 of 1,551,502 alleles (0.56%); highest among the groups gnomAD compares: Non-Finnish European, 0.66%; 30 homozygotes.

Submissions (2):

CeGaT Center for Human Genetics Tuebingen
Classification: Likely benign. Last evaluated: 2023-02-01. Review status: criteria provided, single submitter. Criteria: CeGaT Center For Human Genetics Tuebingen Variant Classification Criteria Version 2. Collection method: clinical testing. Allele origin: germline. Affected: yes. Observed: 1 variant allele.
Comment: DCHS2: BP4, BS2

PreventionGenetics, part of Exact Sciences
Classification: Likely benign for DCHS2-related condition. Last evaluated: 2019-03-04. Review status: no assertion criteria provided. Collection method: clinical testing. Allele origin: germline. Not counted in ClinVar's aggregate classification.
Comment: This variant is classified as likely benign based on ACMG/AMP sequence variant interpretation guidelines (Richards et al. 2015 PMID: 25741868, with internal and published modifications).